The following is an entry in ClinVar:

NM_000065.5(C6):c.1879del (p.Asp627fs)

Gene: C6 (complement C6; minus strand). Cytogenetic location: 5p13.1.
Variant type: Deletion.
Coding change: c.1879del on transcript NM_000065.5 (MANE Select); coding-DNA position 1879, one base deleted (G; older notation c.1879delG).
Protein change: p.Asp627fs; shifts the reading frame from aspartic acid 627.
Molecular consequence: frameshift variant.
Genome position (GRCh38, 1-based): chr5:41,158,763, C deleted on the plus strand (G on the coding strand, the reverse complement: C6 is on the minus strand). VCF-style (leftmost placement, unchanged base first): chr5-41158762-TC-T. GRCh37 (hg19) VCF-style: chr5-41158864-TC-T.
Other names: C6, 1-BP DEL, 1936G; c.1879del (NM_000065.2, NM_000065.3); c.1879delG (NM_000065.5, NM_000065.3); c.1879del, p.Asp627fs (NM_001115131.4); short protein forms D627fs.
Identifiers: ClinVar variation 505659 (VCV000505659.30), dbSNP rs61469168, ClinGen allele CA3252287.

ClinVar aggregate classification (germline): Pathogenic. Review status: criteria provided, multiple submitters, no conflicts (2 of 4 stars). 15 submissions from 15 submitters: Pathogenic (12). 3 of the submissions do not count toward it. Last evaluated 2026-07-01.

Conditions:
Immunodeficiency due to a late component of complement deficiency. Identifiers: Orphanet 169150, MedGen C0398765, MONDO:0015700.
C6-related disorders.
C6-related disorder. Also called: C6-related condition.
Complement component 6 deficiency (C6D). Also called: C6 DEFICIENCY. Identifiers: MedGen C2676232, MONDO:0012908, OMIM 612446.

Allele frequency attached by ClinVar (database versions not stated): gnomAD exomes 0.00030 and 0.00084; ESP Exome Variant Server 0.00391; 1000 Genomes Project 30x 0.00437; ExAC 0.00094; gnomAD 0.00306 and 0.00328; 1000 Genomes Project 0.00319; TOPMed 0.00364.

Submissions (15):

CeGaT Center for Human Genetics Tuebingen
Classification: Pathogenic. Last evaluated: 2026-07-01. Review status: criteria provided, single submitter. Criteria: CeGaT Center For Human Genetics Tuebingen Variant Classification Criteria Version 2. Collection method: clinical testing. Allele origin: germline. Affected: yes. Observed: 2 variant alleles.
Comment: C6: PM3:Very Strong, PVS1, PM2:Supporting

Labcorp Genetics (formerly Invitae), Labcorp
Classification: Pathogenic. Last evaluated: 2025-01-24. Review status: criteria provided, single submitter. Criteria: Invitae Variant Classification Sherloc (09022015). Collection method: clinical testing. Allele origin: germline.
Comment: This sequence change creates a premature translational stop signal (p.Asp627Thrfs*4) in the C6 gene. It is expected to result in an absent or disrupted protein product. Loss-of-function variants in C6 are known to be pathogenic (PMID: 17257682). This variant is present in population databases (rs61469168, gnomAD 1.1%), and has an allele count higher than expected for a pathogenic variant. This premature translational stop signal has been observed in individual(s) with complement component C6 deficiency (PMID: 8690922, 12653841). This variant is also known as c.1936delG. ClinVar contains an entry for this variant (Variation ID: 505659). For these reasons, this variant has been classified as Pathogenic.

Blueprint Genetics
Classification: Pathogenic for C6-related disorders. Last evaluated: 2024-11-15. Review status: criteria provided, single submitter. Criteria: ACMG Guidelines, 2015. Collection method: clinical testing. Allele origin: germline. Affected: yes. Observed: 5 variant alleles.

Dasa
Classification: Pathogenic. Last evaluated: 2024-09-19. Review status: criteria provided, single submitter. Criteria: DASA Assertion Criteria. Collection method: clinical testing. Allele origin: germline.
Comment: NM_000065.5(C6):c.1879del (p.Asp627Thrfs*4) introduces a premature termination codon predicted to result in loss of normal protein function. Loss-of-function is an established mechanism of disease for this gene. The variant is present at low frequency in population datasets. Based on the available data, this variant is classified as pathogenic.

Women's Health and Genetics/Laboratory Corporation of America, LabCorp
Classification: Pathogenic for Complement component 6 deficiency. Last evaluated: 2024-07-11. Review status: criteria provided, single submitter. Criteria: LabCorp Variant Classification Summary - May 2015. Collection method: clinical testing. Allele origin: germline.
Comment: Variant summary: C6 c.1879delG (p.Asp627ThrfsX4) results in a premature termination codon, predicted to cause a truncation of the encoded protein or absence of the protein due to nonsense mediated decay, which are commonly known mechanisms for disease. The variant allele was found at a frequency of 0.00084 in 250526 control chromosomes in the gnomAD database, including 3 homozygotes. This frequency is not significantly higher than estimated for a pathogenic variant in C6 causing Complement Component 6 Deficiency, allowing no conclusion about variant significance. c.1879delG has been reported in the literature in multiple homozygous individuals affected with Complement Component 6 Deficiency (e.g. Dragon-Durey_2003). These data indicate that the variant is very likely to be associated with disease. The following publication has been ascertained in the context of this evaluation (PMID: 12653841). ClinVar contains an entry for this variant (Variation ID: 505659). Based on the evidence outlined above, the variant was classified as pathogenic.

GeneDx
Classification: Pathogenic. Last evaluated: 2024-02-09. Review status: criteria provided, single submitter. Criteria: GeneDx Variant Classification Process June 2021. Collection method: clinical testing. Allele origin: germline. Affected: yes.
Comment: Frameshift variant predicted to result in protein truncation or nonsense mediated decay in a gene for which loss of function is a known mechanism of disease; Also known as c.1936delG; This variant is associated with the following publications: (PMID: 35655932, Rizvi2023[paper], 12653841, 22344438, 30609409, 28368462, 9472666, 22288589, 10632667, 9856498, 8512929, 35717718, 30797079, 8690922)

Department of Pathology and Laboratory Medicine, Sinai Health System
Classification: Pathogenic for Complement component 6 deficiency. Last evaluated: 2023-09-09. Review status: criteria provided, single submitter. Criteria: ACMG Guidelines, 2015. Collection method: research. Allele origin: germline.

Laboratory for Molecular Medicine, Mass General Brigham Personalized Medicine
Classification: Pathogenic for Complement component 6 deficiency. Last evaluated: 2023-08-16. Review status: criteria provided, single submitter. Criteria: ACMG Guidelines, 2015. Collection method: clinical testing. Allele origin: germline. Inheritance: Autosomal recessive inheritance.
Comment: The p.Asp627ThrfsX4 variant in C6 (NM_000065.3 c.1879delG; also referred to as c.1936delG in the literature) has been reported in 4 homozygous and 7 compound heterozygous African individuals with complement component 6 deficiency and susceptibility to Neisseria infections or recurrent infections and segregated with C6 deficiency in at least 7 affected relatives from 3 families, though none of these individuals presented with a history of infections and were asymptomatic at the time of reporting (Nishizaka 1996 PMID: 8690922, Zhu 1998PMID: 9472666, Hobart PMID: 9856498, Dragon-Durey 2003 PMID: 12653841, and Orren 2012 PMID: 22288589). This variant has also been reported by other clinical laboratories in ClinVar (Variation ID 505659) and has been identified in 1.0% (429/41446) of African chromosomes by gnomAD, including 2 homozygotes (v.3.1.2), however, this frequency is consistent with the reported incidence of disease. This variant is predicted to cause a frameshift, which alters the protein’s amino acid sequence beginning at position 627 and leads to a premature termination codon 4 amino acids downstream. This alteration is then predicted to lead to a truncated or absent protein. Biallelic loss of function of the C6 gene is an established disease mechanism in complement component 6 deficiency, which is associated with susceptibility to Neisseria infections, including meningitis. In summary, this variant meets criteria to be classified as pathogenic for autosomal recessive Complement component 6 deficiency. ACMG/AMP Criteria applied: PVS1, PM3_VeryStrong.

Laboratorio de Genetica e Diagnostico Molecular, Hospital Israelita Albert Einstein
Classification: Pathogenic for Complement component 6 deficiency. Last evaluated: 2022-09-23. Review status: criteria provided, single submitter. Criteria: ACMG Guidelines, 2015. Collection method: clinical testing. Allele origin: germline. Affected: yes.
Comment: ACMG classification criteria: PVS1 very strong, PM3 very strong, PP1 moderated

Mendelics
Classification: Pathogenic for Complement component 6 deficiency. Last evaluated: 2022-05-04. Review status: criteria provided, single submitter. Criteria: Mendelics Assertion Criteria 2019. Collection method: clinical testing. Allele origin: germline.

Fulgent Genetics
Classification: Pathogenic for Complement component 6 deficiency. Last evaluated: 2022-04-09. Review status: criteria provided, single submitter. Criteria: ACMG Guidelines, 2015. Collection method: clinical testing. Allele origin: unknown.

Center for Genomics, Ann and Robert H. Lurie Children's Hospital of Chicago
Classification: Pathogenic for Complement component 6 deficiency. Last evaluated: 2021-11-22. Review status: criteria provided, single submitter. Criteria: ACMG Guidelines, 2015. Collection method: clinical testing. Allele origin: germline.
Comment: C6 NM_000065 exon 13 p.Asp627fs (c.1879delG): This variant has been reported in the literature in at least 9 individuals with suspected C6 deficiency, segregating with disease in at least 7 affected family members as homozygous or compound heterozygous (Nishizaka 1996 PMID:8690922, Hobart 1998 PMID:9856498, Zhu 1998 PMID:9472666, Dragon-Durey 2003 PMID:12653841, reported as G1936). This variant is present in 1% (268/24026) of African alleles, including 2 homozygotes in the Genome Aggregation Database; however, this frequency is consistent with the reported incidence of disease. Evolutionary conservation and computational predictive tools for this variant are limited or unavailable. This variant is a deletion of one nucleotide and creates a premature stop codon four amino acids downstream from this location which results in an absent or abnormal protein. In summary, this variant is classified as pathogenic based on the predicted impact to the protein, numerous affected probands with this variant and segregation studies.

PreventionGenetics, part of Exact Sciences
Classification: Pathogenic for C6-related condition. Last evaluated: 2024-08-08. Review status: no assertion criteria provided. Collection method: clinical testing. Allele origin: germline. Not counted in ClinVar's aggregate classification.
Comment: The C6 c.1879delG variant is predicted to result in a frameshift and premature protein termination (p.Asp627Thrfs*4). This variant has been reported in many individuals as a cause of C6 deficiency (OMIM #612446) and is particularly common among Western Cape South Africans (aka c.1936delG; Zhu et al. 2000. PubMed ID: 10632667; Nishizaka et al. 1996. PubMed ID: 8690922; Parham et al. 2007. PubMed ID: 17257682; Orren et al. 2012. PubMed ID: 22288589). This variant is present at a maximum allele frequency of 1.12% in Africans and is present in the homozygous state in three individuals in a large population database. Frameshift variants in C6 are expected to be pathogenic. This variant is interpreted as pathogenic.

Reproductive Health Research and Development, BGI Genomics
Classification: Pathogenic for Immunodeficiency due to a late component of complement deficiency. Last evaluated: 2020-01-06. Review status: no assertion criteria provided. Collection method: curation. Allele origin: germline. Not counted in ClinVar's aggregate classification.
Comment: NM_000065.2:c.1879delG in the C6 gene has an allele frequency of 0.011 in African subpopulation in the gnomAD database. The p.Asp627Metfs*4 (c.1879delG) variant in C6 has been reported African individuals with Complement component 6 deficiency, including homozygotes and compound heterozygotes 828delG/1879delG (PMID: 9856498; 22288589). This variant is a deletion of one nucleotide and creates a premature stop codon four amino acids downstream from this location which results in an absent or abnormal protein. Taken together, we interprete this variant as Pathogenic/Likely pathogenic variant. ACMG/AMP Criteria applied: PVS1; PM3_Strong.

OMIM
Classification: Pathogenic for C6 DEFICIENCY. Last evaluated: 1996-03-15. Review status: no assertion criteria provided. Collection method: literature only. Allele origin: germline. Not counted in ClinVar's aggregate classification.

Literature cited by the submitters: PubMed 17257682 (cited by Labcorp Genetics (formerly Invitae), Labcorp); PubMed 8690922 (cited by 3 submitters); PubMed 12653841 (cited by 3 submitters); PubMed 9472666 (cited by Laboratory for Molecular Medicine, Mass General Brigham Personalized Medicine); PubMed 9856498 (cited by Laboratory for Molecular Medicine, Mass General Brigham Personalized Medicine); PubMed 22288589 (cited by Laboratory for Molecular Medicine, Mass General Brigham Personalized Medicine); PubMed 10632667 (cited by OMIM); PubMed 8512929 (cited by OMIM).